The following is an entry in ClinVar:

NM_015040.4(PIKFYVE):c.5727G>A (p.Ala1909=)

Gene: PIKFYVE (phosphoinositide kinase, FYVE-type zinc finger containing; plus strand). Cytogenetic location: 2q34.
Variant type: single nucleotide variant.
Coding change: c.5727G>A on transcript NM_015040.4 (MANE Select); coding-DNA position 5727, G replaced by A.
Protein change: p.Ala1909=; no amino-acid change (alanine 1909 retained).
Molecular consequence: synonymous variant.
Genome position (GRCh38, 1-based): chr2:208,352,665, G>A. VCF-style: chr2-208352665-G-A. GRCh37 (hg19) VCF-style: chr2-209217389-G-A.
Identifiers: ClinVar variation 333938 (VCV000333938.7), dbSNP rs147789704, ClinGen allele CA2080729.
Genomic context (GRCh38, chr2:208,352,665, plus strand): 5'-ATAAATAACCCTTTTTGATAAGAATTTATTTTGACCTTCTCTTGATTAGAGGCCCACGGC[G>A]TTGGCCAAAATTCTTGGAGTTTACAGAATTGGTTATAAGAACTCTCAGAACAACACTGAG-3'
Protein context (NP_055855.2, residues 1899-1919): TNAVQQKRPT[Ala1909=]LAKILGVYRI

ClinVar aggregate classification (germline): Likely benign. Review status: criteria provided, multiple submitters, no conflicts (2 of 4 stars). 4 submissions from 4 submitters: Likely benign (4). Last evaluated 2026-04-01.

Conditions:
PIKFYVE-related disorder. Also called: PIKFYVE-related condition.
Fleck corneal dystrophy (CFD). Also called: CORNEAL DYSTROPHY, FRANCOIS-NEETENS SPECKLED OR FLECKED. Identifiers: Orphanet 98970, MedGen C1562113, MONDO:0007376, OMIM 121850.

Allele frequency attached by ClinVar (database versions not stated): TOPMed 0.00020; 1000 Genomes Project 30x 0.00031; 1000 Genomes Project 0.00040.
gnomAD v4.1: 133 of 1,613,518 alleles (0.0082%); highest among the groups gnomAD compares: Middle Eastern, 0.066%; no homozygotes.

Submissions (4):

PreventionGenetics, part of Exact Sciences
Classification: Likely benign for PIKFYVE-related condition. Last evaluated: 2026-04-01. Review status: criteria provided, single submitter. Criteria: ACMG Guidelines, 2015. Collection method: clinical testing. Allele origin: germline.
Comment: This variant is classified as likely benign based on ACMG/AMP sequence variant interpretation guidelines (Richards et al. 2015 PMID: 25741868, with internal and published modifications).

Labcorp Genetics (formerly Invitae), Labcorp
Classification: Likely benign. Last evaluated: 2025-04-15. Review status: criteria provided, single submitter. Criteria: Invitae Variant Classification Sherloc (09022015). Collection method: clinical testing. Allele origin: germline.

Illumina Laboratory Services, Illumina
Classification: Likely benign for Fleck corneal dystrophy. Last evaluated: 2018-01-13. Review status: criteria provided, single submitter. Criteria: ICSL Variant Classification Criteria 13 December 2019. Collection method: clinical testing. Allele origin: germline.
Comment: This variant was observed in the ICSL laboratory as part of a predisposition screen in an ostensibly healthy population. It had not been previously curated by ICSL or reported in the Human Gene Mutation Database (HGMD: prior to June 1st, 2018), and was therefore a candidate for classification through an automated scoring system. Utilizing variant allele frequency, disease prevalence and penetrance estimates, and inheritance mode, an automated score was calculated to assess if this variant is too frequent to cause the disease. Based on the score and internal cut-off values, a variant classified as likely benign is not then subjected to further curation. The score for this variant resulted in a classification of likely benign for this disease.

Breakthrough Genomics
Classification: Likely benign. Review status: criteria provided, single submitter. Criteria: ACMG Guidelines, 2015. Collection method: not provided. Allele origin: germline. Inheritance: Autosomal dominant inheritance. Affected: yes.